The following is an entry in ClinVar:

ClinVar aggregate classification (germline): Conflicting classifications of pathogenicity. Review status: criteria provided, conflicting classifications (1 of 4 stars). 2 submissions from 2 submitters: Likely pathogenic (1); Uncertain significance (1). Last evaluated 2023-11-18.

Conditions:
COL7A1-related disorder. Also called: COL7A1-related condition; COL7A1- related disorders.

Allele frequency attached by ClinVar (database versions not stated): gnomAD exomes below 0.00001.
gnomAD v4.1: 1 of 1,614,066 alleles (0.000062%); highest among the groups gnomAD compares: Non-Finnish European, 0.000085%; no homozygotes.

Submissions (2):

Labcorp Genetics (formerly Invitae), Labcorp
Classification: Uncertain significance. Last evaluated: 2023-11-18. Review status: criteria provided, single submitter. Criteria: Invitae Variant Classification Sherloc (09022015). Collection method: clinical testing. Allele origin: germline.
Comment: This sequence change replaces glycine, which is neutral and non-polar, with arginine, which is basic and polar, at codon 1860 of the COL7A1 protein (p.Gly1860Arg). This variant is not present in population databases (gnomAD no frequency). This missense change has been observed in individual(s) with autosomal dominant epidermolysis bullosa pruriginosa (PMID: 19197535, 21448560). Advanced modeling of protein sequence and biophysical properties (such as structural, functional, and spatial information, amino acid conservation, physicochemical variation, residue mobility, and thermodynamic stability) performed at Invitae indicates that this missense variant is expected to disrupt COL7A1 protein function with a positive predictive value of 95%. This variant disrupts the triple helix domain of COL7A1. Glycine residues within the Gly-Xaa-Yaa repeats of the triple helix domain are required for the structure and stability of fibrillar collagens (PMID: 7695699, 8218237, 19344236), and variants at these glycine residues in COL7A1 are more frequently observed in individuals with disease than in the general population (PMID: 22058051). However, the clinical significance of this observation remains uncertain since only a limited number of affected individuals have been described to date. In summary, the available evidence is currently insufficient to determine the role of this variant in disease. Therefore, it has been classified as a Variant of Uncertain Significance.

Blueprint Genetics
Classification: Likely pathogenic for COL7A1-related disorders. Last evaluated: 2023-05-10. Review status: criteria provided, single submitter. Criteria: ACMG Guidelines, 2015. Collection method: clinical testing. Allele origin: germline. Affected: yes. Observed: 1 variant allele.

Literature cited by the submitters: PubMed 19197535 (cited by Labcorp Genetics (formerly Invitae), Labcorp); PubMed 21448560 (cited by Labcorp Genetics (formerly Invitae), Labcorp); PubMed 7695699 (cited by Labcorp Genetics (formerly Invitae), Labcorp); PubMed 8218237 (cited by Labcorp Genetics (formerly Invitae), Labcorp); PubMed 19344236 (cited by Labcorp Genetics (formerly Invitae), Labcorp); PubMed 22058051 (cited by Labcorp Genetics (formerly Invitae), Labcorp).

NM_000094.4(COL7A1):c.5578G>A (p.Gly1860Arg)

Gene: COL7A1 (collagen type VII alpha 1 chain; minus strand). Cytogenetic location: 3p21.31.
Variant type: single nucleotide variant.
Coding change: c.5578G>A on transcript NM_000094.4 (MANE Select); coding-DNA position 5578, G replaced by A.
Protein change: p.Gly1860Arg; replaces glycine 1860 with arginine.
Molecular consequence: missense variant.
Genome position (GRCh38, 1-based): chr3:48,576,910, C>T on the plus strand (G>A on the coding strand, the complement: COL7A1 is on the minus strand). VCF-style: chr3-48576910-C-T. GRCh37 (hg19) VCF-style: chr3-48614343-C-T.
Other names: short protein forms G1860R.
Identifiers: ClinVar variation 2734515 (VCV002734515.4), dbSNP rs2531008129, ClinGen allele CA352670341.